The following is an entry in ClinVar:

ClinVar aggregate classification (germline): Uncertain significance (1 of 4 stars; one submission).

Conditions:
Charcot-Marie-Tooth disease type 4. Also called: Charcot-Marie-Tooth disease, type IV; Charcot-Marie-Tooth, Type 4. Identifiers: Orphanet 64749, MedGen C4082197, MONDO:0018995.

Submission:

Labcorp Genetics (formerly Invitae), Labcorp
Classification: Uncertain significance for Charcot-Marie-Tooth disease type 4. Last evaluated: 2022-01-04. Review status: criteria provided, single submitter. Criteria: Invitae Variant Classification Sherloc (09022015). Collection method: clinical testing. Allele origin: germline.
Comment: In summary, the available evidence is currently insufficient to determine the role of this variant in disease. Therefore, it has been classified as a Variant of Uncertain Significance. Advanced modeling of protein sequence and biophysical properties (such as structural, functional, and spatial information, amino acid conservation, physicochemical variation, residue mobility, and thermodynamic stability) performed at Invitae indicates that this missense variant is not expected to disrupt SH3TC2 protein function. This variant has not been reported in the literature in individuals affected with SH3TC2-related conditions. This variant is not present in population databases (gnomAD no frequency). This sequence change replaces leucine, which is neutral and non-polar, with proline, which is neutral and non-polar, at codon 1243 of the SH3TC2 protein (p.Leu1243Pro).

NM_024577.4(SH3TC2):c.3728T>C (p.Leu1243Pro)

Gene: SH3TC2 (SH3 domain and tetratricopeptide repeats 2; minus strand). Cytogenetic location: 5q32.
Variant type: single nucleotide variant.
Coding change: c.3728T>C on transcript NM_024577.4 (MANE Select); coding-DNA position 3728, T replaced by C.
Protein change: p.Leu1243Pro; replaces leucine 1243 with proline.
Molecular consequence: missense variant.
Genome position (GRCh38, 1-based): chr5:149,004,850, A>G on the plus strand (T>C on the coding strand, the complement: SH3TC2 is on the minus strand). VCF-style: chr5-149004850-A-G. GRCh37 (hg19) VCF-style: chr5-148384413-A-G.
Other names: short protein forms L1243P.
Identifiers: ClinVar variation 2074648 (VCV002074648.4), dbSNP rs1210110275, ClinGen allele CA361663611.
Genomic context (GRCh38, chr5:149,004,850, plus strand): 5'-CTCTGGCAGATGTTGTCCAGCCTGCTCCTAATGGTGTCCTGAAGCTCCTCATCACCCAGC[A>G]GGACCGCTGCTGCCAGGGCCAGAAGGAAGTACTCAGTGGCATCATGGGCATCCTAACCCC-3'
Protein context (NP_078853.2, residues 1233-1253): YFLLALAAAV[Leu1243Pro]LGDEELQDTI